The following is an entry in ClinVar:

ClinVar aggregate classification (germline): Likely pathogenic (1 of 4 stars; one submission).

Allele frequency attached by ClinVar (database versions not stated): gnomAD 0.00001; gnomAD exomes 0.00001; TOPMed 0.00001; ExAC 0.00002.
gnomAD v4.1: 5 of 1,614,018 alleles (0.00031%); highest among the groups gnomAD compares: Non-Finnish European, 0.00042%; no homozygotes.

Submission:

Labcorp Genetics (formerly Invitae), Labcorp
Classification: Likely pathogenic. Last evaluated: 2023-11-14. Review status: criteria provided, single submitter. Criteria: Invitae Variant Classification Sherloc (09022015). Collection method: clinical testing. Allele origin: germline.
Comment: This sequence change replaces glycine, which is neutral and non-polar, with alanine, which is neutral and non-polar, at codon 449 of the COL4A1 protein (p.Gly449Ala). This variant is present in population databases (rs776216712, gnomAD 0.004%). This variant has not been reported in the literature in individuals affected with COL4A1-related conditions. Advanced modeling of protein sequence and biophysical properties (such as structural, functional, and spatial information, amino acid conservation, physicochemical variation, residue mobility, and thermodynamic stability) performed at Invitae indicates that this missense variant is expected to disrupt COL4A1 protein function with a positive predictive value of 95%. This variant disrupts the triple helix domain of COL4A1. Glycine residues within the Gly-Xaa-Yaa repeats of the triple helix domain are required for the structure and stability of fibrillar collagens (PMID: 7695699, 8218237, 19344236). In COL4A1 variants affecting these glycine residues are significantly enriched in individuals with disease (PMID: 9016532, 17078022) compared to the general population (ExAC). In summary, the currently available evidence indicates that the variant is pathogenic, but additional data are needed to prove that conclusively. Therefore, this variant has been classified as Likely Pathogenic.

Literature cited by the submitters: PubMed 7695699; PubMed 8218237; PubMed 19344236; PubMed 9016532; PubMed 17078022.

NM_001845.6(COL4A1):c.1346G>C (p.Gly449Ala)

Genes: COL4A1 (collagen type IV alpha 1 chain; minus strand), LOC126861856 (BRD4-independent group 4 enhancer GRCh37_chr13:110846747-110847946; plus strand). Cytogenetic location: 13q34.
Variant type: single nucleotide variant.
Coding change: c.1346G>C on transcript NM_001845.6 (MANE Select); coding-DNA position 1346, G replaced by C.
Protein change: p.Gly449Ala; replaces glycine 449 with alanine.
Molecular consequence: missense variant.
Genome position (GRCh38, 1-based): chr13:110,195,058, C>G on the plus strand (G>C on the coding strand, the complement: COL4A1 is on the minus strand). VCF-style: chr13-110195058-C-G. GRCh37 (hg19) VCF-style: chr13-110847405-C-G.
Other names: c.1346G>C, p.Gly449Ala (NM_001303110.2); short protein forms G449A.
Identifiers: ClinVar variation 3018864 (VCV003018864.3), dbSNP rs776216712, ClinGen allele CA7047984.
Genomic context (GRCh38, chr13:110,195,058, plus strand): 5'-TTTTAAAAAAATCAAAATTTCTTACCTTTCTCTCCAATTTCGCCTATAAATCCTGGCTGC[C>G]CTGGAATTCCAGGAGGACCCTGGTCACCTGGAGGTCCGGGCTGACATTCCACAATTCCAT-3'
Protein context (NP_001836.3, residues 439-459): PGDQGPPGIP[Gly449Ala]QPGFIGEIGE